The following is an entry in ClinVar:

NM_001042492.3(NF1):c.480-8_480-2delinsTTTTAT

Gene: NF1 (neurofibromin 1; plus strand). Cytogenetic location: 17q11.2.
Variant type: Indel.
Coding change: c.480-8_480-2delinsTTTTAT on transcript NM_001042492.3 (MANE Select); 8 bases into the intron before coding-DNA position 480 through the canonical splice acceptor site of the intron before coding-DNA position 480, CTTTTTA replaced by TTTTAT.
Molecular consequence: splice acceptor variant.
Genome position (GRCh38, 1-based): chr17:31,169,883-31,169,889, CTTTTTA replaced by TTTTAT. VCF-style: chr17-31169883-CTTTTTA-TTTTAT. GRCh37 (hg19) VCF-style: chr17-29496901-CTTTTTA-TTTTAT.
Other names: c.480-8_480-2delinsTTTTAT (NM_000267.4, NM_001128147.3).
Identifiers: ClinVar variation 2581014 (VCV002581014.1), dbSNP rs2544718564, ClinGen allele CA2580618194.

ClinVar aggregate classification (germline): Likely pathogenic (1 of 4 stars; one submission).

Conditions:
Neurofibromatosis, type 1 (NF1). Also called: Neurofibromatosis, type I; NEUROFIBROMATOSIS, TYPE I, SOMATIC; VON RECKLINGHAUSEN DISEASE; Peripheral type neurofibromatosis. Identifiers: Orphanet 636, MedGen C0027831, MONDO:0018975, OMIM 162200. Disease mechanism: loss of function.

Submission:

Dr. med. U. Finckh, Human Genetics, Eurofins MVZ
Classification: Likely pathogenic for Neurofibromatosis, type 1. Last evaluated: 2021-02-08. Review status: criteria provided, single submitter. Criteria: ACMG Guidelines, 2015. Collection method: clinical testing. Allele origin: unknown. Affected: yes. Observed: 1 heterozygote.
Comment: This variant changes the splice consensus sequence of the NF1 intron 4 / exon 5 splice acceptor. In-silico tools predict a 7 nt downstream shift of the splice acceptor. It is expected to lead to a frameshift with consecutive premature stop signal and a non-functional gene product subsequently. The variant is classified as likely pathogenic.